The following is an entry in ClinVar:

ClinVar aggregate classification (germline): Conflicting classifications of pathogenicity. Review status: criteria provided, conflicting classifications (1 of 4 stars). 6 submissions from 6 submitters: Uncertain significance (3); Likely benign (1). 2 of the submissions do not count toward it. Last evaluated 2025-09-22.

Conditions:
Hereditary cancer-predisposing syndrome. Also called: Hereditary neoplastic syndrome; Hereditary Cancer Syndrome; Neoplastic Syndromes, Hereditary; Tumor predisposition. Identifiers: Orphanet 140162, MedGen C0027672, MeSH D009386, MONDO:0015356.
Fanconi anemia (FA). Also called: Fanconi's anemia. Identifiers: Orphanet 84, MedGen C0015625, MeSH D005199, MONDO:0019391.
Fanconi anemia complementation group C (FANCC). Also called: FANCC-Related Fanconi Anemia; FANCONI PANCYTOPENIA, TYPE 3; FACC; Fanconi anemia, group C. Identifiers: Orphanet 84, MedGen C3468041, MONDO:0009213, OMIM 227645.

Allele frequency attached by ClinVar (database versions not stated): TOPMed below 0.00001; gnomAD 0.00001 and 0.00004; gnomAD exomes 0.00003 and 0.00005; ExAC 0.00004; 1000 Genomes Project 30x 0.00016; 1000 Genomes Project 0.00020.
gnomAD v4.1: 50 of 1,614,090 alleles (0.0031%); highest among the groups gnomAD compares: South Asian, 0.053%; no homozygotes.

Submissions (6):

Labcorp Genetics (formerly Invitae), Labcorp
Classification: Uncertain significance for Fanconi anemia. Last evaluated: 2025-09-22. Review status: criteria provided, single submitter. Criteria: Invitae Variant Classification Sherloc (09022015). Collection method: clinical testing. Allele origin: germline.
Comment: This sequence change replaces lysine, which is basic and polar, with arginine, which is basic and polar, at codon 545 of the FANCC protein (p.Lys545Arg). This variant is present in population databases (rs571668582, gnomAD 0.04%). This variant has not been reported in the literature in individuals affected with FANCC-related conditions. ClinVar contains an entry for this variant (Variation ID: 234672). Invitae Evidence Modeling of protein sequence and biophysical properties (such as structural, functional, and spatial information, amino acid conservation, physicochemical variation, residue mobility, and thermodynamic stability) indicates that this missense variant is not expected to disrupt FANCC protein function with a negative predictive value of 80%. In summary, the available evidence is currently insufficient to determine the role of this variant in disease. Therefore, it has been classified as a Variant of Uncertain Significance.

Revvity Omics, Revvity
Classification: Uncertain significance for Fanconi anemia complementation group C. Last evaluated: 2022-11-02. Review status: criteria provided, single submitter. Criteria: ACMG Guidelines, 2015. Collection method: clinical testing. Allele origin: germline.

Ambry Genetics
Classification: Likely benign for Hereditary cancer-predisposing syndrome. Last evaluated: 2021-11-04. Review status: criteria provided, single submitter. Criteria: Ambry Variant Classification Scheme 2023. Collection method: clinical testing. Allele origin: germline.

GeneDx
Classification: Uncertain significance. Last evaluated: 2015-12-08. Review status: criteria provided, single submitter. Criteria: GeneDx Variant Classification (06012015). Collection method: clinical testing. Allele origin: germline. Affected: yes.
Comment: This variant is denoted FANCC c.1634A>G at the cDNA level, p.Lys545Arg (K545R) at the protein level, and results in the change of a Lysine to an Arginine (AAA>AGA). This variant has not, to our knowledge, been published in the literature as pathogenic or benign. FANCC Lys545Arg was not observed at a significant allele frequency in 1000 Genomes. Since Lysine and Arginine share similar properties, this is considered a conservative amino acid substitution. FANCC Lys545Arg occurs at a position that is not conserved and is located in a region responsible for cdc2 binding (Gordon and Buchwald). In silico analyses are inconsistent regarding the effect this variant may have on protein structure and function. Based on currently available evidence, it is unclear whether FANCC Lys545Arg is a pathogenic or benign variant. We consider it to be a variant of uncertain significance.

Natera, Inc.
Classification: Uncertain significance for Fanconi anemia. Last evaluated: 2020-03-04. Review status: no assertion criteria provided. Collection method: clinical testing. Allele origin: germline. Not counted in ClinVar's aggregate classification.

Department of Pathology and Laboratory Medicine, Sinai Health System
Classification: Uncertain significance for Fanconi anemia complementation group C. Review status: no assertion criteria provided. Collection method: clinical testing. Allele origin: unknown. Affected: yes. Study: The Canadian Open Genetics Repository (COGR). Not counted in ClinVar's aggregate classification.
Comment: The FANCC p.Lys545Arg variant was not identified in the literature nor was it identified in the Cosmic, MutDB, or LOVD 3.0, databases. The variant was identified in dbSNP (ID: rs571668582) as "With Uncertain significance allele", and in ClinVar (classified as uncertain significance by Invitae and GeneDx). The variant was identified in control databases in 12 of 246178 chromosomes at a frequency of 0.00005 (Genome Aggregation Database Feb 27, 2017). The variant was observed in the following populations: South Asian in 11 of 30776 chromosomes (freq: 0.0004), European in 1 of 111666 chromosomes (freq: 0.000009), while the variant was not observed in the African, Ashkenazi Jewish, East Asian, Finnish, Latino, and Other populations. The p.Lys545 residue is conserved in mammals but not in more distantly related organisms however computational analyses (PolyPhen-2, SIFT, AlignGVGD, BLOSUM, MutationTaster) do not suggest a high likelihood of impact to the protein; this information is not predictive enough to rule out pathogenicity. The variant occurs outside of the splicing consensus sequence and in silico or computational prediction software programs (SpliceSiteFinder, MaxEntScan, NNSPLICE, GeneSplicer) do not predict a difference in splicing. In summary, based on the above information the clinical significance of this variant cannot be determined with certainty at this time. This variant is classified as a variant of uncertain significance.

Literature cited by the submitters: PubMed 32885271 (cited by Ambry Genetics).

NM_000136.3(FANCC):c.1634A>G (p.Lys545Arg)

Genes: FANCC (FA complementation group C; minus strand), AOPEP (aminopeptidase O (putative); plus strand). Cytogenetic location: 9q22.32.
Variant type: single nucleotide variant.
Coding change: c.1634A>G on transcript NM_000136.3 (MANE Select); coding-DNA position 1634, A replaced by G.
Protein change: p.Lys545Arg; replaces lysine 545 with arginine.
Molecular consequence: missense variant.
Genome position (GRCh38, 1-based): chr9:95,101,750, T>C on the plus strand (A>G on the coding strand, the complement: FANCC is on the minus strand). VCF-style: chr9-95101750-T-C. GRCh37 (hg19) VCF-style: chr9-97864032-T-C.
Other names: c.1634A>G, p.Lys545Arg (NM_001243743.2); short protein forms K545R.
Identifiers: ClinVar variation 234672 (VCV000234672.20), dbSNP rs571668582, ClinGen allele CA5137290.